The following is an entry in ClinVar:

ClinVar aggregate classification (germline): Pathogenic (1 of 4 stars; one submission).

Submission:

Labcorp Genetics (formerly Invitae), Labcorp
Classification: Pathogenic. Last evaluated: 2021-12-02. Review status: criteria provided, single submitter. Criteria: Invitae Variant Classification Sherloc (09022015). Collection method: clinical testing. Allele origin: germline.
Comment: For these reasons, this variant has been classified as Pathogenic. This variant has not been reported in the literature in individuals affected with LAMB1-related conditions. This variant is not present in population databases (gnomAD no frequency). This sequence change creates a premature translational stop signal (p.Val568Leufs*3) in the LAMB1 gene. It is expected to result in an absent or disrupted protein product. Loss-of-function variants in LAMB1 are known to be pathogenic (PMID: 23472759, 25925986).

Literature cited by the submitters: PubMed 23472759; PubMed 25925986.

NC_000007.14:g.107963064del

Gene: LAMB1 (laminin subunit beta 1; minus strand). Cytogenetic location: 7q31.1.
Variant type: Deletion.
Genome position: GRCh38 VCF-style: chr7-107963059-AC-A. GRCh37 (hg19) VCF-style: chr7-107603504-AC-A.
Identifiers: ClinVar variation 1457754 (VCV001457754.6), dbSNP rs1562992108, ClinGen allele CA918098750.